The following is an entry in ClinVar:

ClinVar aggregate classification (germline): not provided (0 of 4 stars; one submission).

Allele frequency attached by ClinVar (database versions not stated): gnomAD 0.00001 and 0.00003; gnomAD exomes 0.00006; TOPMed 0.00006; ExAC 0.00010.
gnomAD v4.1: 21 of 1,612,738 alleles (0.0013%); highest among the groups gnomAD compares: East Asian, 0.038%; no homozygotes.

Submission:

Human Evolutionary Genetics, Institut Pasteur
No classification provided. Review status: no classification provided. Collection method: not provided. Allele origin: germline.
ClinVar note: Converted during submission from untested to not provided.

NM_001127255.2(NLRP7):c.1148C>T (p.Pro383Leu)

Gene: NLRP7 (NLR family pyrin domain containing 7; minus strand). Cytogenetic location: 19q13.42.
Variant type: single nucleotide variant.
Coding change: c.1148C>T on transcript NM_001127255.2 (MANE Select); coding-DNA position 1148, C replaced by T.
Protein change: p.Pro383Leu; replaces proline 383 with leucine.
Molecular consequence: missense variant.
Genome position (GRCh38, 1-based): chr19:54,939,671, G>A on the plus strand (C>T on the coding strand, the complement: NLRP7 is on the minus strand). VCF-style: chr19-54939671-G-A. GRCh37 (hg19) VCF-style: chr19-55451039-G-A.
Other names: c.1148C>T, p.Pro383Leu (NM_001405531.1, NM_139176.4, NM_206828.4); short protein forms P383L.
Identifiers: ClinVar variation 127256 (VCV000127256.4), dbSNP rs199475826, ClinGen allele CA230817.